The following is an entry in ClinVar:

ClinVar aggregate classification (germline): Uncertain significance. Review status: criteria provided, multiple submitters, no conflicts (2 of 4 stars). 2 submissions from 2 submitters: Uncertain significance (2). Last evaluated 2025-04-01.

Conditions:
Inborn genetic diseases. Identifiers: MedGen C0950123, MeSH D030342.

Allele frequency attached by ClinVar (database versions not stated): gnomAD 0.00001; TOPMed 0.00001; gnomAD exomes 0.00002 and 0.00003; ExAC 0.00005; ESP Exome Variant Server 0.00008.

Submissions (2):

Labcorp Genetics (formerly Invitae), Labcorp
Classification: Uncertain significance. Last evaluated: 2025-04-01. Review status: criteria provided, single submitter. Criteria: Invitae Variant Classification Sherloc (09022015). Collection method: clinical testing. Allele origin: germline.
Comment: This sequence change replaces isoleucine, which is neutral and non-polar, with threonine, which is neutral and polar, at codon 312 of the TNFRSF11B protein (p.Ile312Thr). The frequency data for this variant in the population databases is considered unreliable, as metrics indicate poor data quality at this position in the gnomAD database. This variant has not been reported in the literature in individuals affected with TNFRSF11B-related conditions. ClinVar contains an entry for this variant (Variation ID: 1483442). Invitae Evidence Modeling of protein sequence and biophysical properties (such as structural, functional, and spatial information, amino acid conservation, physicochemical variation, residue mobility, and thermodynamic stability) indicates that this missense variant is not expected to disrupt TNFRSF11B protein function with a negative predictive value of 80%. In summary, the available evidence is currently insufficient to determine the role of this variant in disease. Therefore, it has been classified as a Variant of Uncertain Significance.

Ambry Genetics
Classification: Uncertain significance for Inborn genetic diseases. Last evaluated: 2025-03-19. Review status: criteria provided, single submitter. Criteria: Ambry Variant Classification Scheme 2023. Collection method: clinical testing. Allele origin: germline.

NM_002546.4(TNFRSF11B):c.935T>C (p.Ile312Thr)

Gene: TNFRSF11B (TNF receptor superfamily member 11b; minus strand). Cytogenetic location: 8q24.12.
Variant type: single nucleotide variant.
Coding change: c.935T>C on transcript NM_002546.4 (MANE Select); coding-DNA position 935, T replaced by C.
Protein change: p.Ile312Thr; replaces isoleucine 312 with threonine.
Molecular consequence: missense variant.
Genome position (GRCh38, 1-based): chr8:118,924,645, A>G on the plus strand (T>C on the coding strand, the complement: TNFRSF11B is on the minus strand). VCF-style: chr8-118924645-A-G. GRCh37 (hg19) VCF-style: chr8-119936884-A-G.
Other names: c.935T>C (NM_002546.3); short protein forms I312T.
Identifiers: ClinVar variation 1483442 (VCV001483442.9), dbSNP rs376914808, ClinGen allele CA4854795.